The following is an entry in ClinVar:

ClinVar aggregate classification (germline): Uncertain significance (1 of 4 stars; one submission).

Conditions:
Hereditary cancer-predisposing syndrome. Also called: Neoplastic Syndromes, Hereditary; Tumor predisposition; Hereditary Cancer Syndrome; Hereditary neoplastic syndrome. Identifiers: Orphanet 140162, MedGen C0027672, MeSH D009386, MONDO:0015356.

Submission:

Ambry Genetics
Classification: Uncertain significance for Hereditary cancer-predisposing syndrome. Last evaluated: 2025-10-11. Review status: criteria provided, single submitter. Criteria: Ambry Variant Classification Scheme 2023. Collection method: clinical testing. Allele origin: germline.
Comment: The p.D1532E variant (also known as c.4596C>A), located in coding exon 15 of the APC gene, results from a C to A substitution at nucleotide position 4596. The aspartic acid at codon 1532 is replaced by glutamic acid, an amino acid with highly similar properties. This amino acid position is conserved. In addition, in silico predictors for this gene do not accurately predict pathogenicity. Based on the available evidence, the clinical significance of this variant remains unclear.

NM_000038.6(APC):c.4596C>A (p.Asp1532Glu)

Gene: APC (APC regulator of Wnt signaling pathway; plus strand). Cytogenetic location: 5q22.2.
Variant type: single nucleotide variant.
Coding change: c.4596C>A on transcript NM_000038.6 (MANE Select); coding-DNA position 4596, C replaced by A.
Protein change: p.Asp1532Glu; replaces aspartic acid 1532 with glutamic acid.
Molecular consequence: missense variant. On other transcripts: non-coding transcript variant (2).
Genome position (GRCh38, 1-based): chr5:112,840,190, C>A. VCF-style: chr5-112840190-C-A. GRCh37 (hg19) VCF-style: chr5-112175887-C-A.
Other names: c.4347C>A, p.Asp1449Glu (NM_001407455.1, NM_001407456.1, NM_001407457.1 and 1 more transcripts); c.4293C>A, p.Asp1431Glu (NM_001407458.1, NM_001407459.1, NM_001407460.1 and 1 more transcripts); c.4209C>A, p.Asp1403Glu (NM_001407467.1, NM_001407469.1); c.3747C>A, p.Asp1249Glu (NM_001407470.1, NM_001354906.2); c.3444C>A, p.Asp1148Glu (NM_001407471.1, NM_001407472.1); c.4596C>A, p.Asp1532Glu (NM_001127510.3, NM_001354895.2, NM_001407450.1); c.4542C>A, p.Asp1514Glu (NM_001127511.3); c.4650C>A, p.Asp1550Glu (NM_001354896.2, NM_001407447.1, NM_001407448.1 and 1 more transcripts); and 11 more; short protein forms D1372E, D1449E, D1473E, D1525E, D1560E, D1148E, D1403E, D1406E.
Identifiers: ClinVar variation 4582686 (VCV004582686.1).